The following is an entry in ClinVar:

NM_001035.3(RYR2):c.13856A>G (p.Glu4619Gly)

Gene: RYR2 (ryanodine receptor 2; plus strand). Cytogenetic location: 1q43.
Variant type: single nucleotide variant.
Coding change: c.13856A>G on transcript NM_001035.3 (MANE Select); coding-DNA position 13856, A replaced by G.
Protein change: p.Glu4619Gly; replaces glutamic acid 4619 with glycine.
Molecular consequence: missense variant.
Genome position (GRCh38, 1-based): chr1:237,793,940, A>G. VCF-style: chr1-237793940-A-G. GRCh37 (hg19) VCF-style: chr1-237957240-A-G.
Other names: short protein forms E4619G.
Identifiers: ClinVar variation 4686343 (VCV004686343.1).

ClinVar aggregate classification (germline): Uncertain significance (1 of 4 stars; one submission).

Submission:

GeneDx
Classification: Uncertain significance. Last evaluated: 2025-07-17. Review status: criteria provided, single submitter. Criteria: GeneDx Variant Classification Process June 2021. Collection method: clinical testing. Allele origin: germline. Affected: yes.
Comment: Not observed at significant frequency in large population cohorts (gnomAD); In silico analysis supports that this missense variant has a deleterious effect on protein structure/function; Has not been previously published as pathogenic or benign to our knowledge; Located in one of the three hot-spot regions of the RYR2 gene, where the majority of pathogenic missense variants occur (PMID: 19926015); This variant is associated with the following publications: (PMID: 19926015)